The following is an entry in ClinVar:

NM_147196.3(TMIE):c.211+1G>C

Gene: TMIE (transmembrane inner ear; plus strand). Cytogenetic location: 3p21.31.
Variant type: single nucleotide variant.
Coding change: c.211+1G>C on transcript NM_147196.3 (MANE Select); the canonical splice donor site of the intron after coding-DNA position 211, G replaced by C.
Molecular consequence: splice donor variant.
Genome position (GRCh38, 1-based): chr3:46,705,908, G>C. VCF-style: chr3-46705908-G-C. GRCh37 (hg19) VCF-style: chr3-46747398-G-C.
Other names: c.52+1G>C (NM_001370524.1, NM_001370525.1); c.211+1G>C (NM_147196.2).
Identifiers: ClinVar variation 2572747 (VCV002572747.3), dbSNP rs370964946, ClinGen allele CA2357953.

ClinVar aggregate classification (germline): Conflicting classifications of pathogenicity. Review status: criteria provided, conflicting classifications (1 of 4 stars). 3 submissions from 3 submitters: Pathogenic (1); Likely pathogenic (1); Uncertain significance (1). Last evaluated 2024-11-05.

Conditions:
TMIE-related disorder. Also called: TMIE-related condition.

Allele frequency attached by ClinVar (database versions not stated): TOPMed below 0.00001; gnomAD 0.00002; gnomAD exomes 0.00002; ExAC 0.00003; ESP Exome Variant Server 0.00015.
gnomAD v4.1: 14 of 1,613,584 alleles (0.00087%); highest among the groups gnomAD compares: Non-Finnish European, 0.0011%; no homozygotes.

Submissions (3):

Blueprint Genetics
Classification: Likely pathogenic for TMIE-related disorders. Last evaluated: 2024-11-05. Review status: criteria provided, single submitter. Criteria: ACMG Guidelines, 2015. Collection method: clinical testing. Allele origin: germline. Affected: yes. Observed: 4 variant alleles.

GeneDx
Classification: Pathogenic. Last evaluated: 2023-07-14. Review status: criteria provided, single submitter. Criteria: GeneDx Variant Classification Process June 2021. Collection method: clinical testing. Allele origin: germline. Affected: yes.
Comment: Canonical splice site variant predicted to result in a null allele in a gene for which loss of function is a known mechanism of disease; Not observed at a significant frequency in large population cohorts (gnomAD); Has not been previously published as pathogenic or benign to our knowledge

PreventionGenetics, part of Exact Sciences
Classification: Uncertain significance for TMIE-related condition. Last evaluated: 2023-04-25. Review status: criteria provided, single submitter. Criteria: ACMG Guidelines, 2015. Collection method: clinical testing. Allele origin: germline.
Comment: The TMIE c.211+1G>C variant is predicted to disrupt the GT donor site and interfere with normal splicing. To our knowledge, this variant has not been reported in the literature. This variant is reported in 0.0047% of alleles in individuals of European (Non-Finnish) descent in gnomAD. Although we suspect that this variant may be pathogenic, at this time, the clinical significance of this variant is uncertain due to the absence of conclusive functional and genetic evidence.